The following is an entry in ClinVar:

NM_000169.3(GLA):c.805G>C (p.Val269Leu)

Genes: GLA (galactosidase alpha; minus strand), RPL36A-HNRNPH2 (RPL36A-HNRNPH2 readthrough; plus strand). Cytogenetic location: Xq22.1.
Variant type: single nucleotide variant.
Coding change: c.805G>C on transcript NM_000169.3 (MANE Select); coding-DNA position 805, G replaced by C.
Protein change: p.Val269Leu; replaces valine 269 with leucine.
Molecular consequence: missense variant. On other transcripts: non-coding transcript variant (3), intron variant (2).
Genome position (GRCh38, 1-based): chrX:101,398,564, C>G on the plus strand (G>C on the coding strand, the complement: GLA is on the minus strand). VCF-style: chrX-101398564-C-G. GRCh37 (hg19) VCF-style: chrX-100653552-C-G.
Other names: c.928G>C, p.Val310Leu (NM_001406747.1); c.805G>C, p.Val269Leu (NM_001406748.1); c.300+3107C>G (NM_001199973.2); c.177+6742C>G (NM_001199974.2); short protein forms V269L, V310L.
Identifiers: ClinVar variation 4087522 (VCV004087522.2), dbSNP rs869312427.

ClinVar aggregate classification (germline): Likely pathogenic (1 of 4 stars; one submission).

Conditions:
Fabry disease. Also called: ALPHA-GALACTOSIDASE A DEFICIENCY; ANDERSON-FABRY DISEASE; CERAMIDE TRIHEXOSIDASE DEFICIENCY; GLA DEFICIENCY; HEREDITARY DYSTOPIC LIPIDOSIS; Angiokeratoma corporis diffusum. Identifiers: Orphanet 324, MedGen C0002986, MONDO:0010526, OMIM 301500, HP:0001071. Disease mechanism: Fabry disease is due to inactivating mutations in the X-linked GLA gene resulting in deficiency of the enzyme Alpha Galactosidase-A., loss of function.

Submission:

Genomenon, Inc
Classification: Likely pathogenic for Fabry disease. Last evaluated: 2026-09-08. Review status: criteria provided, single submitter. Criteria: Genomenon Sequence Variant Interpretation Standards - Updated. Collection method: curation. Allele origin: germline. Affected: yes.
Comment: GLA p.Val269Leu (c.805G>C) is a missense variant that changes the amino acid at codon 269 from Valine to Leucine. This variant has been observed in at least one proband with clinical features consistent with Fabry disease. The variant was found to segregate with disease in at least one affected family. At least one functional study has demonstrated a substantial alteration in protein function relative to the wild-type (PMID:32023956). It is absent or not present at a significant frequency in gnomAD. In conclusion, we classify GLA p.Val269Leu (c.805G>C) as a likely pathogenic variant.

Literature cited by the submitters: PubMed 32023956.